The following is an entry in ClinVar:

ClinVar aggregate classification (germline): Uncertain significance (1 of 4 stars; one submission).

Submission:

Ambry Genetics
Classification: Uncertain significance. Last evaluated: 2026-07-20. Review status: criteria provided, single submitter. Criteria: Ambry Variant Classification Scheme 2023. Collection method: clinical testing. Allele origin: germline.
Comment: The p.Q44* variant (also known as c.130C>T), located in coding exon 1 of the RNF43 gene, results from a C to T substitution at nucleotide position 130. This changes the amino acid from a glutamine to a stop codon within coding exon 1. The evidence for this gene-disease relationship is limited; therefore, the clinical significance of this variant is unclear.

NM_017763.6(RNF43):c.130C>T (p.Gln44Ter)

Gene: RNF43 (ring finger protein 43; minus strand). Cytogenetic location: 17q22.
Variant type: single nucleotide variant.
Coding change: c.130C>T on transcript NM_017763.6 (MANE Select); coding-DNA position 130, C replaced by T.
Protein change: p.Gln44Ter; replaces glutamine 44 with a stop codon.
Molecular consequence: nonsense. On other transcripts: intron variant (1).
Genome position (GRCh38, 1-based): chr17:58,415,448, G>A on the plus strand (C>T on the coding strand, the complement: RNF43 is on the minus strand). VCF-style: chr17-58415448-G-A. GRCh37 (hg19) VCF-style: chr17-56492809-G-A.
Other names: c.130C>T, p.Gln44Ter (NM_001305544.3, NM_001438820.1, NM_001438821.1 and 1 more transcripts); c.-130+1569C>T (NM_001437987.1); short protein forms Q44*.
Identifiers: ClinVar variation 5028335 (VCV005028335.1).